The following is an entry in ClinVar:

NM_013275.6(ANKRD11):c.5977C>T (p.Arg1993Cys)

Gene: ANKRD11 (ankyrin repeat domain containing 11; minus strand). Cytogenetic location: 16q24.3.
Variant type: single nucleotide variant.
Coding change: c.5977C>T on transcript NM_013275.6 (MANE Select); coding-DNA position 5977, C replaced by T.
Protein change: p.Arg1993Cys; replaces arginine 1993 with cysteine.
Molecular consequence: missense variant.
Genome position (GRCh38, 1-based): chr16:89,280,565, G>A on the plus strand (C>T on the coding strand, the complement: ANKRD11 is on the minus strand). VCF-style: chr16-89280565-G-A. GRCh37 (hg19) VCF-style: chr16-89346973-G-A.
Other names: c.5977C>T, p.Arg1993Cys (NM_001256182.2, NM_001256183.2); short protein forms R1993C.
Identifiers: ClinVar variation 1048883 (VCV001048883.1), dbSNP rs773403872, ClinGen allele CA8241651.
Genomic context (GRCh38, chr16:89,280,565, plus strand): 5'-CCTCCGAGGCGCTGAAGGGCCCTGGGGCGGCAGAGTGGAGGGGGTCCGCGGGGCAGAAAC[G>A]CTTTGGGGACTCGGGGAATCTCTGTGGAGACTTCAGCAGGAGGTCCGAGCCCACAGGCCA-3'
Protein context (NP_037407.4, residues 1983-2003): SPQRFPESPK[Arg1993Cys]FCPADPLHSA

ClinVar aggregate classification (germline): Uncertain significance (0 of 4 stars; one submission).

Allele frequency attached by ClinVar (database versions not stated): gnomAD exomes below 0.00001 and 0.00002; ExAC 0.00001.
gnomAD v4.1: 7 of 1,613,260 alleles (0.00043%); highest among the groups gnomAD compares: South Asian, 0.0033%; no homozygotes.

Submission:

Department of Pathology and Laboratory Medicine, Sinai Health System
Classification: Uncertain significance. Review status: no assertion criteria provided. Collection method: clinical testing. Allele origin: unknown. Affected: yes. Study: The Canadian Open Genetics Repository (COGR).
Comment: The ANKRD11 p.Arg1993Cys variant was not identified in the literature nor was it identified in ClinVar or LOVD 3.0. The variant was identified in dbSNP (ID: rs773403872) and in control databases in 5 of 243284 chromosomes at a frequency of 0.00002055 (Genome Aggregation Database March 6, 2019, v2.1.1). The variant was observed in the following populations: South Asian in 3 of 30592 chromosomes (freq: 0.000098) and European (non-Finnish) in 2 of 107922 chromosomes (freq: 0.000019), but was not observed in the African, Latino, Ashkenazi Jewish, East Asian, European (Finnish), or Other populations. The p.Arg1993 residue is not conserved in mammals and computational analyses (PolyPhen-2, SIFT, AlignGVGD, BLOSUM, MutationTaster) provide inconsistent predictions regarding the impact to the protein; this information is not very predictive of pathogenicity. The variant occurs outside of the splicing consensus sequence and in silico or computational prediction software programs (SpliceSiteFinder, MaxEntScan, NNSPLICE, GeneSplicer) do not predict a difference in splicing. In summary, based on the above information the clinical significance of this variant cannot be determined with certainty at this time. This variant is classified as a variant of uncertain significance.